The following is an entry in ClinVar:

NM_000038.6(APC):c.3459_3461del (p.His1153_Glu1154delinsGln)

Gene: APC (APC regulator of Wnt signaling pathway; plus strand). Cytogenetic location: 5q22.2.
Variant type: Deletion.
Coding change: c.3459_3461del on transcript NM_000038.6 (MANE Select); coding-DNA positions 3459 to 3461, 3 bases deleted (TGA; older notation c.3459_3461delTGA).
Protein change: p.His1153_Glu1154delinsGln.
Molecular consequence: inframe indel.
Genome position (GRCh38, 1-based): chr5:112,839,053-112,839,055, TGA deleted; deleting any 3 consecutive bases within chr5:112,839,052-112,839,055 gives the same sequence; the c. name uses the placement nearest the transcript's 3' end. VCF-style (leftmost placement, unchanged base first): chr5-112839051-CATG-C. GRCh37 (hg19) VCF-style: chr5-112174748-CATG-C.
Other names: c.3459_3461del, p.His1153_Glu1154delinsGln (NM_001127510.3, NM_001354895.2); c.3405_3407del, p.His1135_Glu1136delinsGln (NM_001127511.3); c.3513_3515del, p.His1171_Glu1172delinsGln (NM_001354896.2); c.3489_3491del, p.His1163_Glu1164delinsGln (NM_001354897.2); c.3384_3386del, p.His1128_Glu1129delinsGln (NM_001354898.2); c.3375_3377del, p.His1125_Glu1126delinsGln (NM_001354899.2); c.3336_3338del, p.His1112_Glu1113delinsGln (NM_001354900.2); c.3282_3284del, p.His1094_Glu1095delinsGln (NM_001354901.2); and 5 more.
Identifiers: ClinVar variation 941261 (VCV000941261.11), dbSNP rs1765428734, ClinGen allele CA1139655919.

ClinVar aggregate classification (germline): Uncertain significance (1 of 4 stars; one submission).

Conditions:
Familial adenomatous polyposis 1 (FAP1). Also called: FAMILIAL ADENOMATOUS POLYPOSIS 1, ATTENUATED; POLYPOSIS, ADENOMATOUS INTESTINAL. Identifiers: MedGen C2713442, MONDO:0021056, OMIM 175100. Disease mechanism: loss of function.

Submission:

Labcorp Genetics (formerly Invitae), Labcorp
Classification: Uncertain significance for Familial adenomatous polyposis 1. Last evaluated: 2019-09-30. Review status: criteria provided, single submitter. Criteria: Invitae Variant Classification Sherloc (09022015). Collection method: clinical testing. Allele origin: germline.
Comment: This variant, c.3459_3461del, is a complex sequence change that results in the deletion of two and insertion of one amino acid in the APC protein (p.His1153_Glu1154delinsGln). This variant is not present in population databases (ExAC no frequency). This variant has not been reported in the literature in individuals with APC-related conditions. Experimental studies and prediction algorithms are not available or were not evaluated, and the functional significance of this variant is currently unknown. In summary, the available evidence is currently insufficient to determine the role of this variant in disease. Therefore, it has been classified as a Variant of Uncertain Significance.